The following is an entry in ClinVar:

NM_016507.4(CDK12):c.2122C>T (p.Arg708Cys)

Gene: CDK12 (cyclin dependent kinase 12; plus strand). Cytogenetic location: 17q12.
Variant type: single nucleotide variant.
Coding change: c.2122C>T on transcript NM_016507.4 (MANE Select); coding-DNA position 2122, C replaced by T.
Protein change: p.Arg708Cys; replaces arginine 708 with cysteine.
Molecular consequence: missense variant.
Genome position (GRCh38, 1-based): chr17:39,492,764, C>T. VCF-style: chr17-39492764-C-T. GRCh37 (hg19) VCF-style: chr17-37649017-C-T.
Other names: c.2122C>T, p.Arg708Cys (NM_015083.4); short protein forms R708C.
Identifiers: ClinVar variation 3830602 (VCV003830602.1).
Genomic context (GRCh38, chr17:39,492,764, plus strand): 5'-CGGCCTTCATTTTCTTAAATAACTATTTTGTTGTTTTTACTTTTTAGAATTTGTTGTCCT[C>T]GTTATGGAGAAAGAAGACAAACAGAAAGCGACTGGGGGAAACGCTGTGTGGACAAGTTTG-3'
Protein context (NP_057591.2, residues 698-718): YKKRPKICCP[Arg708Cys]YGERRQTESD

ClinVar aggregate classification (germline): Uncertain significance (1 of 4 stars; one submission).

Submission:

Ambry Genetics
Classification: Uncertain significance. Last evaluated: 2025-02-03. Review status: criteria provided, single submitter. Criteria: Ambry Variant Classification Scheme 2023. Collection method: clinical testing. Allele origin: germline.
Comment: The p.R708C variant (also known as c.2122C>T), located in coding exon 4 of the CDK12 gene, results from a C to T substitution at nucleotide position 2122. The arginine at codon 708 is replaced by cysteine, an amino acid with highly dissimilar properties. This amino acid position is conserved. In addition, the in silico prediction for this alteration is inconclusive. Based on the available evidence, the clinical significance of this variant remains unclear.